The following is an entry in ClinVar:

ClinVar aggregate classification (germline): Uncertain significance. Review status: criteria provided, multiple submitters, no conflicts (2 of 4 stars). 2 submissions from 2 submitters: Uncertain significance (2). Last evaluated 2025-12-23.

Conditions:
TTN-related disorder. Also called: TTN-related condition; TTN-related disease; TTN-related disorders.
Autosomal recessive limb-girdle muscular dystrophy type 2J (LGMDR10). Also called: Limb-girdle muscular dystrophy, type 2J; MUSCULAR DYSTROPHY, LIMB-GIRDLE, AUTOSOMAL RECESSIVE 10. Identifiers: Orphanet 140922, MedGen C1837342, MONDO:0012127, OMIM 608807.
Dilated cardiomyopathy 1G (CMD1G). Identifiers: Orphanet 154, MedGen C1858763, MONDO:0011400, OMIM 604145.

Allele frequency attached by ClinVar (database versions not stated): ExAC 0.00001; TOPMed 0.00001; gnomAD 0.00003 and 0.00004; gnomAD exomes 0.00003 and 0.00006.
gnomAD v4.1: 95 of 1,599,600 alleles (0.0059%); highest among the groups gnomAD compares: Non-Finnish European, 0.008%; 3 homozygotes.

Submissions (2):

PreventionGenetics, part of Exact Sciences
Classification: Uncertain significance for TTN-related condition. Last evaluated: 2025-12-23. Review status: criteria provided, single submitter. Criteria: ACMG Guidelines, 2015. Collection method: clinical testing. Allele origin: germline.
Comment: The TTN c.38321T>C variant is predicted to result in the amino acid substitution p.Val12774Ala. To our knowledge, this variant has not been reported in the literature. This variant is reported in 0.0064% of alleles in individuals of European (Non-Finnish) descent in gnomAD. At this time, the clinical significance of this variant is uncertain due to the absence of conclusive functional and genetic evidence.

Labcorp Genetics (formerly Invitae), Labcorp
Classification: Uncertain significance for Dilated cardiomyopathy 1G; Autosomal recessive limb-girdle muscular dystrophy type 2J. Last evaluated: 2017-06-02. Review status: criteria provided, single submitter. Criteria: Invitae Variant Classification Sherloc (09022015). Collection method: clinical testing. Allele origin: germline.

NM_001267550.2(TTN):c.38321T>C (p.Val12774Ala)

Gene: TTN (titin; minus strand). Cytogenetic location: 2q31.2.
Variant type: single nucleotide variant.
Coding change: c.38321T>C on transcript NM_001267550.2 (MANE Select); coding-DNA position 38321, T replaced by C.
Protein change: p.Val12774Ala; replaces valine 12774 with alanine.
Molecular consequence: missense variant. On other transcripts: intron variant (5).
Genome position (GRCh38, 1-based): chr2:178,654,267, A>G on the plus strand (T>C on the coding strand, the complement: TTN is on the minus strand). VCF-style: chr2-178654267-A-G. GRCh37 (hg19) VCF-style: chr2-179518994-A-G.
Other names: c.13283-11950T>C (NM_003319.4); c.13859-11950T>C (NM_133437.4); c.13658-11950T>C (NM_133432.3); c.31742-1726T>C (NM_133378.4); c.34523-1726T>C (NM_001256850.1); short protein forms V12774A.
Identifiers: ClinVar variation 467092 (VCV000467092.4), dbSNP rs747414237, ClinGen allele CA1997170.
Genomic context (GRCh38, chr2:178,654,267, plus strand): 5'-CCTTTTGCACGTGGGGCTTCCGGTTTTTTGGGCACAGCCACAGATACTTTCTTTTCAAGT[A>G]CAACTTCTTTAGGAGCTTCAGGAACTTTGAAGATATTAGTATCTTTTAGTTAGAAGCTAT-3'
Protein context (NP_001254479.2, residues 12764-12784): PKVPEAPKEV[Val12774Ala]LEKKVSVAVP